The following is an entry in ClinVar:

ClinVar aggregate classification (germline): Pathogenic/Likely pathogenic. Review status: criteria provided, multiple submitters, no conflicts (2 of 4 stars). 7 submissions from 7 submitters: Pathogenic (3); Likely pathogenic (4). Last evaluated 2026-01-25.

Conditions:
3-methylcrotonyl-CoA carboxylase 1 deficiency (MCC1D). Also called: MCCD TYPE 1; METHYLCROTONYLGLYCINURIA TYPE I; MCC 1 deficiency; 3 Alpha methylcrotonylglycinuria 1. Identifiers: Orphanet 6, MedGen CN028786, MONDO:0008861, OMIM 210200.

Allele frequency attached by ClinVar (database versions not stated): gnomAD exomes 0.00002 and 0.00001; TOPMed 0.00002; ExAC 0.00002.

Submissions (7):

Labcorp Genetics (formerly Invitae), Labcorp
Classification: Pathogenic for 3-methylcrotonyl-CoA carboxylase 1 deficiency. Last evaluated: 2026-01-25. Review status: criteria provided, single submitter. Criteria: Invitae Variant Classification Sherloc (09022015). Collection method: clinical testing. Allele origin: germline.
Comment: This sequence change affects an acceptor splice site in intron 6 of the MCCC1 gene. It is expected to disrupt RNA splicing. Variants that disrupt the donor or acceptor splice site typically lead to a loss of protein function (PMID: 16199547), and loss-of-function variants in MCCC1 are known to be pathogenic (PMID: 11181649, 15359379, 22642865). This variant is present in population databases (rs772395858, gnomAD 0.003%). Disruption of this splice site has been observed in individuals with clinical features of 3-methylcrotonyl-CoA carboxylase deficiency (PMID: 27601257; internal data). ClinVar contains an entry for this variant (Variation ID: 198578). Algorithms developed to predict the effect of sequence changes on RNA splicing suggest that this variant may disrupt the consensus splice site. For these reasons, this variant has been classified as Pathogenic.

Natera, Inc.
Classification: Likely pathogenic for 3-methylcrotonyl-CoA carboxylase 1 deficiency. Last evaluated: 2025-08-19. Review status: criteria provided, single submitter. Criteria: Natera Variant Classification Schema (03/2026). Collection method: clinical testing. Allele origin: germline.
Comment: The c.640-2A>G variant in MCCC1 is a canonical splice acceptor site variant predicted to affect pre-mRNA splicing, which may result in an abnormal transcript and altered protein product. This variant is expected to result in nonsense mediated decay, truncation, or a dysfunctional protein product. This variant is rare in the general population with a frequency below the threshold expected for the associated phenotype(s). Given the available evidence, this variant is classified as Likely Pathogenic.

Dasa
Classification: Pathogenic. Last evaluated: 2025-05-20. Review status: criteria provided, single submitter. Criteria: DASA Assertion Criteria. Collection method: clinical testing. Allele origin: germline.
Comment: NM_020166.5(MCCC1):c.640-2A>G introduces a premature termination codon predicted to result in loss of normal protein function. Loss-of-function is an established mechanism of disease for this gene. This variant results in the same amino acid change as a previously established pathogenic variant. This variant has been reported in individuals with related phenotype (PMID: 27601257). The variant is present at low frequency in population datasets. Based on the available data, this variant is classified as pathogenic.

Revvity Omics, Revvity
Classification: Likely pathogenic for 3-methylcrotonyl-CoA carboxylase 1 deficiency. Last evaluated: 2024-06-26. Review status: criteria provided, single submitter. Criteria: ACMG Guidelines, 2015. Collection method: clinical testing. Allele origin: germline.

Baylor Genetics
Classification: Likely pathogenic for 3-methylcrotonyl-CoA carboxylase 1 deficiency. Last evaluated: 2024-03-27. Review status: criteria provided, single submitter. Criteria: ACMG Guidelines, 2015. Collection method: clinical testing. Allele origin: unknown.

Fulgent Genetics
Classification: Likely pathogenic for 3-methylcrotonyl-CoA carboxylase 1 deficiency. Last evaluated: 2021-07-27. Review status: criteria provided, single submitter. Criteria: ACMG Guidelines, 2015. Collection method: clinical testing. Allele origin: unknown.

Eurofins Ntd Llc (ga)
Classification: Pathogenic. Last evaluated: 2016-04-22. Review status: criteria provided, single submitter. Criteria: EGL Classification Definitions 2015. Collection method: clinical testing. Allele origin: germline. Observed: 4 variant alleles, 3 heterozygotes, 1 homozygote.

Literature cited by the submitters: PubMed 16199547 (cited by Labcorp Genetics (formerly Invitae), Labcorp); PubMed 11181649 (cited by Labcorp Genetics (formerly Invitae), Labcorp); PubMed 15359379 (cited by Labcorp Genetics (formerly Invitae), Labcorp); PubMed 22642865 (cited by Labcorp Genetics (formerly Invitae), Labcorp); PubMed 27601257 (cited by Labcorp Genetics (formerly Invitae), Labcorp and Dasa).

NM_020166.5(MCCC1):c.640-2A>G

Gene: MCCC1 (methylcrotonyl-CoA carboxylase subunit 1; minus strand). Cytogenetic location: 3q27.1.
Variant type: single nucleotide variant.
Coding change: c.640-2A>G on transcript NM_020166.5 (MANE Select); the canonical splice acceptor site of the intron before coding-DNA position 640, A replaced by G.
Molecular consequence: splice acceptor variant.
Genome position (GRCh38, 1-based): chr3:183,071,122, T>C on the plus strand (A>G on the coding strand, the complement: MCCC1 is on the minus strand). VCF-style: chr3-183071122-T-C. GRCh37 (hg19) VCF-style: chr3-182788910-T-C.
Other names: c.313-2A>G (NM_001363880.1); c.289-2A>G (NM_001293273.2).
Identifiers: ClinVar variation 198578 (VCV000198578.22), dbSNP rs772395858, ClinGen allele CA275407.